The following is an entry in ClinVar:

ClinVar aggregate classification (germline): Pathogenic. Review status: criteria provided, multiple submitters, no conflicts (2 of 4 stars). 2 submissions from 2 submitters: Pathogenic (2). Last evaluated 2024-03-06.

Conditions:
Hereditary cancer-predisposing syndrome. Also called: Hereditary neoplastic syndrome; Neoplastic Syndromes, Hereditary; Tumor predisposition; Hereditary Cancer Syndrome. Identifiers: Orphanet 140162, MedGen C0027672, MeSH D009386, MONDO:0015356.
Ataxia-telangiectasia syndrome (AT). Also called: LOUIS-BAR SYNDROME; Cerebello-oculocutaneous telangiectasia; Immunodeficiency with ataxia telangiectasia; AT, COMPLEMENTATION GROUP C; Ataxia-telangiectasia, complementation group D; ATAXIA-TELANGIECTASIA, COMPLEMENTATION GROUP A. Identifiers: Orphanet 100, MedGen C0004135, MONDO:0008840, OMIM 208900.

Submissions (2):

Labcorp Genetics (formerly Invitae), Labcorp
Classification: Pathogenic for Ataxia-telangiectasia syndrome. Last evaluated: 2024-03-06. Review status: criteria provided, single submitter. Criteria: Invitae Variant Classification Sherloc (09022015). Collection method: clinical testing. Allele origin: germline.
Comment: This sequence change creates a premature translational stop signal (p.His1865Argfs*38) in the ATM gene. It is expected to result in an absent or disrupted protein product. Loss-of-function variants in ATM are known to be pathogenic (PMID: 23807571, 25614872). This variant is not present in population databases (gnomAD no frequency). This variant has not been reported in the literature in individuals affected with ATM-related conditions. ClinVar contains an entry for this variant (Variation ID: 481281). For these reasons, this variant has been classified as Pathogenic.

Ambry Genetics
Classification: Pathogenic for Hereditary cancer-predisposing syndrome. Last evaluated: 2016-08-29. Review status: criteria provided, single submitter. Criteria: Ambry Variant Classification Scheme 2023. Collection method: clinical testing. Allele origin: germline.
Comment: The c.5594_5595delAT pathogenic mutation, located in coding exon 36 of the ATM gene, results from a deletion of two nucleotides at positions 5594 to 5595, causing a translational frameshift with a predicted alternate stop codon. This alteration is expected to result in loss of function by premature protein truncation or nonsense-mediated mRNA decay. As such, this alteration is interpreted as a disease-causing mutation.

Literature cited by the submitters: PubMed 23807571 (cited by Labcorp Genetics (formerly Invitae), Labcorp); PubMed 25614872 (cited by Labcorp Genetics (formerly Invitae), Labcorp).

NM_000051.4(ATM):c.5594_5595del (p.His1865fs)

Gene: ATM (ATM serine/threonine kinase; plus strand). Cytogenetic location: 11q22.3.
Variant type: Deletion.
Coding change: c.5594_5595del on transcript NM_000051.4 (MANE Select); coding-DNA positions 5594 to 5595, 2 bases deleted (AT; older notation c.5594_5595delAT).
Protein change: p.His1865fs; shifts the reading frame from histidine 1865.
Molecular consequence: frameshift variant.
Genome position (GRCh38, 1-based): chr11:108,304,772-108,304,773, AT deleted. VCF-style (leftmost placement, unchanged base first): chr11-108304771-CAT-C. GRCh37 (hg19) VCF-style: chr11-108175498-CAT-C.
Other names: c.5594_5595delAT (NM_000051.3); c.5594_5595del, p.His1865fs (NM_001351834.2); short protein forms H1865fs.
Identifiers: ClinVar variation 481281 (VCV000481281.10), dbSNP rs1555107450, ClinGen allele CA658656260.